The following is an entry in ClinVar:

NM_001128178.3(NPHP1):c.1474C>A (p.Pro492Thr)

Gene: NPHP1 (nephrocystin 1; minus strand). Cytogenetic location: 2q13.
Variant type: single nucleotide variant.
Coding change: c.1474C>A on transcript NM_001128178.3 (MANE Select); coding-DNA position 1474, C replaced by A.
Protein change: p.Pro492Thr; replaces proline 492 with threonine.
Molecular consequence: missense variant.
Genome position (GRCh38, 1-based): chr2:110,143,597, G>T on the plus strand (C>A on the coding strand, the complement: NPHP1 is on the minus strand). VCF-style: chr2-110143597-G-T. GRCh37 (hg19) VCF-style: chr2-110901174-G-T.
Other names: c.1642C>A, p.Pro548Thr (NM_000272.5); c.1285C>A, p.Pro429Thr (NM_001128179.3); c.1471C>A, p.Pro491Thr (NM_001374256.1); c.1474C>A, p.Pro492Thr (NM_001374257.1); c.1639C>A, p.Pro547Thr (NM_207181.4); short protein forms P429T, P547T, P548T, P491T, P492T.
Identifiers: ClinVar variation 2140533 (VCV002140533.4), dbSNP rs2467232032, ClinGen allele CA348087308.
Genomic context (GRCh38, chr2:110,143,597, plus strand): 5'-CCCACCTTAGTACATTTCTTGATCTTCTGTTCAAGGATCTCAGTTTCACTAGAAGTTGAG[G>T]CTGCCTTCTCATTGTCATAATCTGGTAGAAAACACTGCCGTGTGCTTTTAAGAAAAATCA-3'
Protein context (NP_001121650.1, residues 482-502): FYQIMTMRRQ[Pro492Thr]QLLVKLRSLN

ClinVar aggregate classification (germline): Uncertain significance (1 of 4 stars; one submission).

Conditions:
Nephronophthisis. Also called: Juvenile Nephronophthisis. Identifiers: Orphanet 655, MedGen C0687120, MONDO:0019005, HP:0000090.

Allele frequency attached by ClinVar (database versions not stated): gnomAD exomes below 0.00001.
gnomAD v4.1: 1 of 1,613,756 alleles (0.000062%); highest among the groups gnomAD compares: Admixed American, 0.0017%; no homozygotes.

Submission:

Labcorp Genetics (formerly Invitae), Labcorp
Classification: Uncertain significance for Nephronophthisis. Last evaluated: 2022-07-17. Review status: criteria provided, single submitter. Criteria: Invitae Variant Classification Sherloc (09022015). Collection method: clinical testing. Allele origin: germline.
Comment: In summary, the available evidence is currently insufficient to determine the role of this variant in disease. Therefore, it has been classified as a Variant of Uncertain Significance. Algorithms developed to predict the effect of missense changes on protein structure and function are either unavailable or do not agree on the potential impact of this missense change (SIFT: "Deleterious"; PolyPhen-2: "Probably Damaging"; Align-GVGD: "Class C0"). This variant has not been reported in the literature in individuals affected with NPHP1-related conditions. This variant is not present in population databases (gnomAD no frequency). This sequence change replaces proline, which is neutral and non-polar, with threonine, which is neutral and polar, at codon 548 of the NPHP1 protein (p.Pro548Thr).